The following is an entry in ClinVar:

ClinVar aggregate classification (germline): Pathogenic (1 of 4 stars; one submission).

Conditions:
Familial hypobetalipoproteinemia 1. Also called: Hypobetalipoproteinemia, normotriglyceridemic; Acanthocytosis with hypobetalipoproteinemia; APOB-Related Familial Hypobetalipoproteinemia. Identifiers: MedGen C4551990, MONDO:0014252, OMIM 615558.
Hypercholesterolemia, autosomal dominant, type B (FHCL2). Also called: Familial Hypercholesterolemia Type B; HYPERCHOLESTEROLEMIA, FAMILIAL, DUE TO LIGAND-DEFECTIVE APOLIPOPROTEIN B; Familial hypercholesterolemia 2; APOB-Related Familial Hypercholesterolemia, Autosomal Dominant; APOLIPOPROTEIN B-100, FAMILIAL DEFECTIVE; APOLIPOPROTEIN B-100, FAMILIAL LIGAND-DEFECTIVE. Identifiers: MedGen C1704417, MONDO:0007751, OMIM 144010.

Submission:

Labcorp Genetics (formerly Invitae), Labcorp
Classification: Pathogenic for Familial hypobetalipoproteinemia 1; Hypercholesterolemia, autosomal dominant, type B. Last evaluated: 2025-09-10. Review status: criteria provided, single submitter. Criteria: Invitae Variant Classification Sherloc (09022015). Collection method: clinical testing. Allele origin: germline.
Comment: This sequence change creates a premature translational stop signal (p.Ile1435Thrfs*6) in the APOB gene. It is expected to result in an absent or disrupted protein product. Loss-of-function variants in APOB are known to be pathogenic (PMID: 20032471). This variant is not present in population databases (gnomAD no frequency). This premature translational stop signal has been observed in individual(s) with familial hypobetalipoproteinemia (PMID: 12124991). This variant is also known as 4432delT. ClinVar contains an entry for this variant (Variation ID: 918183). For these reasons, this variant has been classified as Pathogenic.

Literature cited by the submitters: PubMed 20032471; PubMed 12124991.

NM_000384.3(APOB):c.4304del (p.Ile1435fs)

Gene: APOB (apolipoprotein B; minus strand). Cytogenetic location: 2p24.1.
Variant type: Deletion.
Coding change: c.4304del on transcript NM_000384.3 (MANE Select); coding-DNA position 4304, one base deleted (T; older notation c.4304delT).
Protein change: p.Ile1435fs; shifts the reading frame from isoleucine 1435.
Molecular consequence: frameshift variant.
Genome position (GRCh38, 1-based): chr2:21,012,564, A deleted on the plus strand (T on the coding strand, the reverse complement: APOB is on the minus strand). VCF-style (leftmost placement, unchanged base first): chr2-21012563-GA-G. GRCh37 (hg19) VCF-style: chr2-21235435-GA-G.
Other names: short protein forms I1435fs.
Identifiers: ClinVar variation 918183 (VCV000918183.7), dbSNP rs1663355633, ClinGen allele CA913187886.
Genomic context (GRCh38, chr2:21,012,563, plus strand): 5'-GAATATTAGTAAACCTTTTGAGACTGGGTTGTTTCCAAGTTTTTCTACATGACTGAATTT[GA>G]TATTCGAATCTAGAAATTTGTGGCGTAGAGACCCATCACATGATAGTGTGAACGTATTCT-3'